The following is an entry in ClinVar:

ClinVar aggregate classification (germline): Likely benign. Review status: criteria provided, multiple submitters, no conflicts (2 of 4 stars). 9 submissions from 9 submitters: Likely benign (7). 2 of the submissions do not count toward it. Last evaluated 2025-12-15.

Conditions:
BRCA1-related disorder. Also called: BRCA1-related condition.
Hereditary cancer-predisposing syndrome. Also called: Tumor predisposition; Hereditary neoplastic syndrome; Hereditary Cancer Syndrome; Neoplastic Syndromes, Hereditary. Identifiers: Orphanet 140162, MedGen C0027672, MeSH D009386, MONDO:0015356.
Hereditary breast ovarian cancer syndrome. Also called: Hereditary breast and/or ovarian cancer syndrome; Breast and ovarian cancer; Hereditary breast and ovarian cancer syndrome; Hereditary breast and ovarian cancer; Hereditary breast and ovarian cancer syndrome (HBOC); BRCA1- and BRCA2-Associated Hereditary Breast and Ovarian Cancer. Identifiers: Orphanet 145, MedGen C0677776, MeSH D061325, MONDO:0003582. Disease mechanism: loss of function.
Breast-ovarian cancer, familial, susceptibility to, 1 (BROVCA1). Also called: BRCA1 Hereditary Breast and Ovarian Cancer; OVARIAN CANCER, SUSCEPTIBILITY TO. Identifiers: Orphanet 145, MedGen C2676676, MONDO:0011450, OMIM 604370. Disease mechanism: loss of function.

Allele frequency attached by ClinVar (database versions not stated): gnomAD below 0.00001 and 0.00001; gnomAD exomes below 0.00001 and 0.00001; ExAC 0.00001; TOPMed 0.00001.
gnomAD v4.1: 8 of 1,608,634 alleles (0.0005%); highest among the groups gnomAD compares: South Asian, 0.0044%; no homozygotes.

Submissions (9):

Women's Health and Genetics/Laboratory Corporation of America, LabCorp
Classification: Likely benign. Last evaluated: 2025-12-15. Review status: criteria provided, single submitter. Criteria: LabCorp Variant Classification Summary - May 2015. Collection method: clinical testing. Allele origin: germline.
Comment: Variant summary: BRCA1 c.594-4A>G alters a nucleotide located at a position not widely known to affect splicing. Consensus agreement among computation tools predict no significant impact on normal splicing. The variant allele was found at a frequency of 4e-06 in 249668 control chromosomes. The available data on variant occurrences in the general population are insufficient to allow any conclusion about variant significance. To our knowledge, no occurrence of c.594-4A>G in individuals affected with BRCA1-related conditions and no experimental evidence demonstrating its impact on protein function have been reported. The following publication have been ascertained in the context of this evaluation (PMID: 23451180). ClinVar contains an entry for this variant (Variation ID: 125898). Based on the evidence outlined above, the variant was classified as likely benign.

Labcorp Genetics (formerly Invitae), Labcorp
Classification: Likely benign for Hereditary breast ovarian cancer syndrome. Last evaluated: 2025-10-23. Review status: criteria provided, single submitter. Criteria: Invitae Variant Classification Sherloc (09022015). Collection method: clinical testing. Allele origin: germline.

All of Us Research Program, National Institutes of Health
Classification: Likely benign for Breast-ovarian cancer, familial, susceptibility to, 1. Last evaluated: 2023-09-04. Review status: criteria provided, single submitter. Criteria: ACMG Guidelines, 2015. Collection method: clinical testing. Allele origin: germline. Inheritance: Autosomal dominant inheritance. Observed: 1 variant allele, 1 heterozygote.
Comment: This study involves interpretation of variants in research participants for the purpose of population health screening. Participant phenotype was not available at the time of variant classification. Additional details can be found in publication PMID: 35346344, PMCID: PMC8962531

Quest Diagnostics Nichols Institute San Juan Capistrano
Classification: Likely benign. Last evaluated: 2020-07-22. Review status: criteria provided, single submitter. Criteria: Quest Diagnostics criteria. Collection method: clinical testing. Allele origin: unknown.

Ambry Genetics
Classification: Likely benign for Hereditary cancer-predisposing syndrome. Last evaluated: 2019-02-26. Review status: criteria provided, single submitter. Criteria: Ambry Variant Classification Scheme 2023. Collection method: clinical testing. Allele origin: germline.

GeneDx
Classification: Likely benign. Last evaluated: 2017-01-30. Review status: criteria provided, single submitter. Criteria: GeneDx Variant Classification (06012015). Collection method: clinical testing. Allele origin: germline. Affected: yes.
Comment: This variant is considered likely benign or benign based on one or more of the following criteria: it is a conservative change, it occurs at a poorly conserved position in the protein, it is predicted to be benign by multiple in silico algorithms, and/or has population frequency not consistent with disease.

Color Diagnostics, LLC DBA Color Health
Classification: Likely benign for Hereditary cancer-predisposing syndrome. Last evaluated: 2016-09-26. Review status: criteria provided, single submitter. Criteria: ACMG Guidelines, 2015. Collection method: clinical testing. Allele origin: germline.

PreventionGenetics, part of Exact Sciences
Classification: Likely benign for BRCA1-related condition. Last evaluated: 2024-05-29. Review status: no assertion criteria provided. Collection method: clinical testing. Allele origin: germline. Not counted in ClinVar's aggregate classification.
Comment: This variant is classified as likely benign based on ACMG/AMP sequence variant interpretation guidelines (Richards et al. 2015 PMID: 25741868, with internal and published modifications).

Breast Cancer Information Core (BIC) (BRCA1)
Classification: Uncertain significance for Breast-ovarian cancer, familial 1. Last evaluated: 2004-02-20. Review status: no assertion criteria provided. Collection method: clinical testing. Allele origin: germline. Affected: yes. Observed: 2 variant alleles. Not counted in ClinVar's aggregate classification.

Literature cited by the submitters: PubMed 23451180 (cited by 3 submitters).

NM_007294.4(BRCA1):c.594-4A>G

Gene: BRCA1 (BRCA1 DNA repair associated; minus strand). Cytogenetic location: 17q21.31.
Variant type: single nucleotide variant.
Coding change: c.594-4A>G on transcript NM_007294.4 (MANE Select); 4 bases into the intron before coding-DNA position 594, A replaced by G.
Molecular consequence: intron variant.
Genome position (GRCh38, 1-based): chr17:43,095,926, T>C on the plus strand (A>G on the coding strand, the complement: BRCA1 is on the minus strand). VCF-style: chr17-43095926-T-C. GRCh37 (hg19) VCF-style: chr17-41247943-T-C.
Other names: IVS9-4A>G; c.594-4A>G (NM_001407969.1, NM_001407968.1, NM_001407640.1 and 58 more transcripts); c.384-4A>G (NM_001408492.1, NM_001407889.1, NM_001408513.1 and 27 more transcripts); c.450-4A>G (NM_001408468.1, NM_001407842.1, NM_001407749.1 and 26 more transcripts); c.407-1066A>G (NM_001408501.1, NM_001408500.1, NM_001407921.1 and 15 more transcripts); c.453-4A>G (NM_001408455.1, NM_001407731.1, NM_001407695.1 and 43 more transcripts); c.404-1066A>G (NM_001408503.1, NM_001407934.1, NM_001408505.1 and 5 more transcripts); c.-218-1066A>G (NM_001407966.1, NM_001407967.1); and 18 more.
Identifiers: ClinVar variation 125898 (VCV000125898.21), dbSNP rs80358081, ClinGen allele CA003756.